The following is an entry in ClinVar:

ClinVar aggregate classification (germline): Pathogenic (0 of 4 stars; one submission).

Conditions:
Alkaptonuria (AKU). Also called: Alkaptonuric ochronosis; Homogentisic acidura; HOMOGENTISIC ACID OXIDASE DEFICIENCY; Alcaptonuria. Identifiers: Orphanet 56, MedGen C0002066, MONDO:0008753, OMIM 203500.

Submission:

Department Of Human Genetics, Institute Of Clinical And Translational Research, Biomedical Research Center, Slovak Academy Of Sciences
Classification: Pathogenic for Alkaptonuria. Review status: no assertion criteria provided. Collection method: research. Allele origin: germline. Inheritance: Autosomal recessive inheritance. Affected: yes. Observed: 1 variant allele.
Comment: The variant was originally described in PMID:23430897. It has been submitted to the HGD gene mutation database (DB-ID: AKU_00145).

Literature cited by the submitters: PubMed 23430897.

NM_000187.4(HGD):c.472_496del (p.Pro158fs)

Gene: HGD (homogentisate 1,2-dioxygenase; minus strand). Cytogenetic location: 3q13.33.
Variant type: Deletion.
Coding change: c.472_496del on transcript NM_000187.4 (MANE Select); coding-DNA positions 472 to 496, 25 bases deleted (CCGCAGAAAGGGAACCTTCTCATTT).
Protein change: p.Pro158fs; shifts the reading frame from proline 158.
Molecular consequence: frameshift variant.
Genome position (GRCh38, 1-based): chr3:120,647,026-120,647,050, AAATGAGAAGGTTCCCTTTCTGCGG deleted on the plus strand (CCGCAGAAAGGGAACCTTCTCATTT on the coding strand, the reverse complement: HGD is on the minus strand); deleting any 25 consecutive bases within chr3:120,647,026-120,647,052 gives the same sequence; the c. name uses the placement nearest the transcript's 3' end. VCF-style (leftmost placement, unchanged base first): chr3-120647025-TAAATGAGAAGGTTCCCTTTCTGCGG-T. GRCh37 (hg19) VCF-style: chr3-120365872-TAAATGAGAAGGTTCCCTTTCTGCGG-T.
Other names: short protein forms P158fs.
Identifiers: ClinVar variation 2584696 (VCV002584696.2), dbSNP rs2472702023, ClinGen allele CA2582342880.